The following is an entry in ClinVar:

ClinVar aggregate classification (germline): Conflicting classifications of pathogenicity. Review status: criteria provided, conflicting classifications (1 of 4 stars). 2 submissions from 2 submitters: Uncertain significance (1); Likely benign (1). Last evaluated 2025-07-06.

Conditions:
Lafora disease. Also called: Progressive Myoclonus Epilepsy, Lafora Type; Epilepsy progressive myoclonic 2. Identifiers: Orphanet 501, MedGen C0751783, MONDO:0009697.

Allele frequency attached by ClinVar (database versions not stated): gnomAD exomes 0.00006; ExAC 0.00011; 1000 Genomes Project 30x 0.00016; 1000 Genomes Project 0.00020; gnomAD 0.00036 and 0.00038; TOPMed 0.00036; ESP Exome Variant Server 0.00046.
gnomAD v4.1: 92 of 1,614,180 alleles (0.0057%); highest among the groups gnomAD compares: African/African-American, 0.11%; no homozygotes.

Submissions (2):

Labcorp Genetics (formerly Invitae), Labcorp
Classification: Likely benign for Lafora disease. Last evaluated: 2025-07-06. Review status: criteria provided, single submitter. Criteria: Invitae Variant Classification Sherloc (09022015). Collection method: clinical testing. Allele origin: germline.

GeneDx
Classification: Uncertain significance. Last evaluated: 2023-03-07. Review status: criteria provided, single submitter. Criteria: GeneDx Variant Classification Process June 2021. Collection method: clinical testing. Allele origin: germline. Affected: yes.
Comment: In silico analysis supports that this missense variant does not alter protein structure/function; Has not been previously published as pathogenic or benign to our knowledge

NM_198586.3(NHLRC1):c.551A>G (p.Asn184Ser)

Gene: NHLRC1 (NHL repeat containing E3 ubiquitin protein ligase 1; minus strand). Cytogenetic location: 6p22.3.
Variant type: single nucleotide variant.
Coding change: c.551A>G on transcript NM_198586.3 (MANE Select); coding-DNA position 551, A replaced by G.
Protein change: p.Asn184Ser; replaces asparagine 184 with serine.
Molecular consequence: missense variant.
Genome position (GRCh38, 1-based): chr6:18,122,056, T>C on the plus strand (A>G on the coding strand, the complement: NHLRC1 is on the minus strand). VCF-style: chr6-18122056-T-C. GRCh37 (hg19) VCF-style: chr6-18122287-T-C.
Other names: p.N184S:AAC>AGC; short protein forms N184S.
Identifiers: ClinVar variation 206178 (VCV000206178.9), dbSNP rs138667242, ClinGen allele CA316012.